The following is an entry in ClinVar:

ClinVar aggregate classification (germline): Uncertain significance. Review status: criteria provided, multiple submitters, no conflicts (2 of 4 stars). 2 submissions from 2 submitters: Uncertain significance (2). Last evaluated 2022-05-08.

Conditions:
Inborn genetic diseases. Identifiers: MedGen C0950123, MeSH D030342.

Allele frequency attached by ClinVar (database versions not stated): gnomAD exomes 0.00001; TOPMed 0.00002; ExAC 0.00004; gnomAD 0.00011.
gnomAD v4.1: 21 of 1,474,486 alleles (0.0014%); highest among the groups gnomAD compares: Admixed American, 0.016%; no homozygotes.

Submissions (2):

Labcorp Genetics (formerly Invitae), Labcorp
Classification: Uncertain significance. Last evaluated: 2022-05-08. Review status: criteria provided, single submitter. Criteria: Invitae Variant Classification Sherloc (09022015). Collection method: clinical testing. Allele origin: germline.
Comment: This variant has not been reported in the literature in individuals affected with CREB3L1-related conditions. The frequency data for this variant in the population databases is considered unreliable, as metrics indicate poor data quality at this position in the gnomAD database. This sequence change replaces phenylalanine, which is neutral and non-polar, with isoleucine, which is neutral and non-polar, at codon 505 of the CREB3L1 protein (p.Phe505Ile). Algorithms developed to predict the effect of missense changes on protein structure and function are either unavailable or do not agree on the potential impact of this missense change (SIFT: "Deleterious"; PolyPhen-2: "Benign"; Align-GVGD: "Class C0"). In summary, the available evidence is currently insufficient to determine the role of this variant in disease. Therefore, it has been classified as a Variant of Uncertain Significance.

Ambry Genetics
Classification: Uncertain significance for Inborn genetic diseases. Last evaluated: 2021-08-13. Review status: criteria provided, single submitter. Criteria: Ambry Variant Classification Scheme 2023. Collection method: clinical testing. Allele origin: germline.

NM_052854.4(CREB3L1):c.1513T>A (p.Phe505Ile)

Gene: CREB3L1 (cAMP responsive element binding protein 3 like 1; plus strand). Cytogenetic location: 11p11.2.
Variant type: single nucleotide variant.
Coding change: c.1513T>A on transcript NM_052854.4 (MANE Select); coding-DNA position 1513, T replaced by A.
Protein change: p.Phe505Ile; replaces phenylalanine 505 with isoleucine.
Molecular consequence: missense variant.
Genome position (GRCh38, 1-based): chr11:46,320,518, T>A. VCF-style: chr11-46320518-T-A. GRCh37 (hg19) VCF-style: chr11-46342069-T-A.
Other names: short protein forms F505I.
Identifiers: ClinVar variation 1905841 (VCV001905841.6), dbSNP rs774093366, ClinGen allele CA5961899.